The following is an entry in ClinVar:

NM_001367823.1(ARHGEF18):c.1175C>G (p.Ser392Cys)

Gene: ARHGEF18 (Rho/Rac guanine nucleotide exchange factor 18; plus strand). Cytogenetic location: 19p13.2.
Variant type: single nucleotide variant.
Coding change: c.1175C>G on transcript NM_001367823.1 (MANE Select); coding-DNA position 1175, C replaced by G.
Protein change: p.Ser392Cys; replaces serine 392 with cysteine.
Molecular consequence: missense variant.
Genome position (GRCh38, 1-based): chr19:7,441,721, C>G. VCF-style: chr19-7441721-C-G. GRCh37 (hg19) VCF-style: chr19-7506607-C-G.
Other names: c.449C>G, p.Ser150Cys (NM_001130955.2); c.137C>G, p.Ser46Cys (NM_001367824.1, NM_015318.4); short protein forms S392C, S150C, S46C.
Identifiers: ClinVar variation 1406821 (VCV001406821.7), dbSNP rs1337146738, ClinGen allele CA403099325.
Genomic context (GRCh38, chr19:7,441,721, plus strand): 5'-CAGGAGAGATGGATGAAGCCGATTCTGCGTTTTTAAAATTTAAGCAGACAGCTGATGACT[C>G]TCTGTCCCTTACATCTCCAAACACCGAGTCCATTTTTGTAGAAGGTATGGTCATCTCCGC-3'
Protein context (NP_001354752.1, residues 382-402): FLKFKQTADD[Ser392Cys]LSLTSPNTES

ClinVar aggregate classification (germline): Uncertain significance. Review status: criteria provided, multiple submitters, no conflicts (2 of 4 stars). 2 submissions from 2 submitters: Uncertain significance (2). Last evaluated 2022-08-05.

Allele frequency attached by ClinVar (database versions not stated): gnomAD 0.00001; gnomAD exomes 0.00001.
gnomAD v4.1: 22 of 1,614,116 alleles (0.0014%); highest among the groups gnomAD compares: Non-Finnish European, 0.0016%; no homozygotes.

Submissions (2):

Labcorp Genetics (formerly Invitae), Labcorp
Classification: Uncertain significance. Last evaluated: 2022-08-05. Review status: criteria provided, single submitter. Criteria: Invitae Variant Classification Sherloc (09022015). Collection method: clinical testing. Allele origin: germline.
Comment: This sequence change replaces serine, which is neutral and polar, with cysteine, which is neutral and slightly polar, at codon 204 of the ARHGEF18 protein (p.Ser204Cys). This variant is present in population databases (no rsID available, gnomAD 0.004%). This variant has not been reported in the literature in individuals affected with ARHGEF18-related conditions. ClinVar contains an entry for this variant (Variation ID: 1406821). Algorithms developed to predict the effect of missense changes on protein structure and function are either unavailable or do not agree on the potential impact of this missense change (SIFT: "Deleterious"; PolyPhen-2: "Possibly Damaging"; Align-GVGD: "Class C15"). In summary, the available evidence is currently insufficient to determine the role of this variant in disease. Therefore, it has been classified as a Variant of Uncertain Significance.

Blueprint Genetics
Classification: Uncertain significance. Last evaluated: 2022-04-18. Review status: criteria provided, single submitter. Criteria: ACMG Guidelines, 2015. Collection method: clinical testing. Allele origin: germline.